The following is an entry in ClinVar:

ClinVar aggregate classification (germline): Pathogenic/Likely pathogenic. Review status: criteria provided, multiple submitters, no conflicts (2 of 4 stars). 2 submissions from 2 submitters: Pathogenic (1); Likely pathogenic (1). Last evaluated 2016-08-22.

Conditions:
Marfan syndrome (MFS). Also called: Marfan syndrome, classic; Marfan syndrome type 1; Marfan's syndrome; MARFAN SYNDROME, TYPE I; FBN1-Related Marfan Syndrome. Identifiers: Orphanet 284963, Orphanet 558, MedGen C0024796, MONDO:0007947, OMIM 154700.
Familial thoracic aortic aneurysm and aortic dissection (TAAD). Also called: Thoracic aortic aneurysms and dissections. Identifiers: Orphanet 91387, MedGen C4707243, MONDO:0019625.

Submissions (2):

Labcorp Genetics (formerly Invitae), Labcorp
Classification: Pathogenic for Marfan syndrome; Familial thoracic aortic aneurysm and aortic dissection. Last evaluated: 2016-08-22. Review status: criteria provided, single submitter. Criteria: Invitae Variant Classification Sherloc (09022015). Collection method: clinical testing. Allele origin: germline.
Comment: For these reasons, this variant has been classified as Pathogenic. While this particular variant has not been reported in the literature, loss-of-function variants in FBN1 are known to be pathogenic (PMID: 17657824, 19293843). This sequence change creates a premature translational stop signal at codon 694 (p.Glu694*) of the FBN1 gene. It is expected to result in an absent or disrupted protein product.

Molecular Diagnostic Laboratory for Inherited Cardiovascular Disease, Montreal Heart Institute
Classification: Likely pathogenic for Marfan syndrome. Last evaluated: 2016-04-27. Review status: criteria provided, single submitter. Criteria: ACMG Guidelines, 2015. Collection method: clinical testing. Allele origin: germline. Affected: yes.

Literature cited by the submitters: PubMed 17657824 (cited by Labcorp Genetics (formerly Invitae), Labcorp); PubMed 19293843 (cited by Labcorp Genetics (formerly Invitae), Labcorp).

NM_000138.5(FBN1):c.2080G>T (p.Glu694Ter)

Gene: FBN1 (fibrillin 1; minus strand). Cytogenetic location: 15q21.1.
Variant type: single nucleotide variant.
Coding change: c.2080G>T on transcript NM_000138.5 (MANE Select); coding-DNA position 2080, G replaced by T.
Protein change: p.Glu694Ter; replaces glutamic acid 694 with a stop codon.
Molecular consequence: nonsense.
Genome position (GRCh38, 1-based): chr15:48,503,820, C>A on the plus strand (G>T on the coding strand, the complement: FBN1 is on the minus strand). VCF-style: chr15-48503820-C-A. GRCh37 (hg19) VCF-style: chr15-48796017-C-A.
Other names: short protein forms E694*.
Identifiers: ClinVar variation 406275 (VCV000406275.9), dbSNP rs1060501024, ClinGen allele CA16614667.
Genomic context (GRCh38, chr15:48,503,820, plus strand): 5'-CGAGGGCATCTCCATGATACCACATACCTGAATTCTGTGCAGGACACGGCTGGCAAGGTT[C>A]CCCAAATGCATACTCAGTGCTGGCGCAACAGCATTCAGATTTAGTGACAGCACCAAACAA-3'